The following is an entry in ClinVar:

ClinVar aggregate classification (germline): Uncertain significance (1 of 4 stars; one submission).

Conditions:
Familial hemophagocytic lymphohistiocytosis 2 (FHL2). Also called: PRF1-Related Familial Hemophagocytic Lymphohistiocytosis (PRF1-fHLH). Identifiers: Orphanet 540, MedGen C1863727, MONDO:0011337, OMIM 603553.

Submission:

Labcorp Genetics (formerly Invitae), Labcorp
Classification: Uncertain significance for Familial hemophagocytic lymphohistiocytosis 2. Last evaluated: 2019-10-25. Review status: criteria provided, single submitter. Criteria: Invitae Variant Classification Sherloc (09022015). Collection method: clinical testing. Allele origin: germline.
Comment: In summary, the available evidence is currently insufficient to determine the role of this variant in disease. Therefore, it has been classified as a Variant of Uncertain Significance. Algorithms developed to predict the effect of missense changes on protein structure and function are either unavailable or do not agree on the potential impact of this missense change (SIFT: "Tolerated"; PolyPhen-2: "Possibly Damaging"; Align-GVGD: "Class C0"). This variant has not been reported in the literature in individuals with PRF1-related conditions. This variant is not present in population databases (ExAC no frequency). This sequence change replaces leucine with phenylalanine at codon 493 of the PRF1 protein (p.Leu493Phe). The leucine residue is moderately conserved and there is a small physicochemical difference between leucine and phenylalanine.

NM_001083116.3(PRF1):c.1477C>T (p.Leu493Phe)

Gene: PRF1 (perforin 1; minus strand). Cytogenetic location: 10q22.1.
Variant type: single nucleotide variant.
Coding change: c.1477C>T on transcript NM_001083116.3 (MANE Select); coding-DNA position 1477, C replaced by T.
Protein change: p.Leu493Phe; replaces leucine 493 with phenylalanine.
Molecular consequence: missense variant.
Genome position (GRCh38, 1-based): chr10:70,598,244, G>A on the plus strand (C>T on the coding strand, the complement: PRF1 is on the minus strand). VCF-style: chr10-70598244-G-A. GRCh37 (hg19) VCF-style: chr10-72358000-G-A.
Other names: c.1477C>T, p.Leu493Phe (NM_005041.6); short protein forms L493F.
Identifiers: ClinVar variation 956123 (VCV000956123.9), dbSNP rs1848155946, ClinGen allele CA376955494.